The following is an entry in ClinVar:

ClinVar aggregate classification (germline): Uncertain significance (1 of 4 stars; one submission).

Allele frequency attached by ClinVar (database versions not stated): gnomAD exomes below 0.00001.
gnomAD v4.1: 1 of 1,566,482 alleles (0.000064%); highest among the groups gnomAD compares: Admixed American, 0.0018%; no homozygotes.

Submission:

GeneDx
Classification: Uncertain significance. Last evaluated: 2018-01-24. Review status: criteria provided, single submitter. Criteria: GeneDx Variant Classification (06012015). Collection method: clinical testing. Allele origin: germline. Affected: yes.
Comment: The c.997-1 G>A splice site variant in the P2RX2 gene destroys the canonical splice acceptor site in intron 9. It is predicted to cause abnormal gene splicing, either leading to an abnormal message that is subject to nonsense-mediated mRNA decay, or to an abnormal protein product if the message is used for protein translation. However, to our knowledge only missense variants have been reported in association with disease in this gene. The variant is observed in 1/29294 (0.0034%) alleles from individuals of Latino background in large population cohorts (Lek et al., 2016). In summary, based on the currently available information, it is unclear whether this variant is a pathogenic variant or a rare benign variant.

NM_170682.4(P2RX2):c.997-1G>A

Gene: P2RX2 (purinergic receptor P2X 2; plus strand). Cytogenetic location: 12q24.33.
Variant type: single nucleotide variant.
Coding change: c.997-1G>A on transcript NM_170682.4 (MANE Select); the canonical splice acceptor site of the intron before coding-DNA position 997, G replaced by A.
Molecular consequence: splice acceptor variant.
Genome position (GRCh38, 1-based): chr12:132,621,474, G>A. VCF-style: chr12-132621474-G-A. GRCh37 (hg19) VCF-style: chr12-133198060-G-A.
Other names: c.1016-1G>A (NM_001282165.2); c.997-1G>A (NM_170683.4, NM_174873.3); c.925-1G>A (NM_016318.4); c.895-1G>A (NM_001282164.2); c.781-1G>A (NM_012226.5); c.721-1G>A (NM_174872.3).
Identifiers: ClinVar variation 489340 (VCV000489340.1), dbSNP rs1194504710, ClinGen allele CA387361901.